The following is an entry in ClinVar:

ClinVar aggregate classification (germline): Likely benign (1 of 4 stars; one submission).

Allele frequency attached by ClinVar (database versions not stated): TOPMed below 0.00001; gnomAD 0.00001.
gnomAD v4.1: 1 of 152,832 alleles (0.00065%); highest among the groups gnomAD compares: Non-Finnish European, 0.0015%; no homozygotes.

Submission:

GeneDx
Classification: Likely benign. Last evaluated: 2017-11-25. Review status: criteria provided, single submitter. Criteria: GeneDx Variant Classification (06012015). Collection method: clinical testing. Allele origin: germline. Affected: yes.
Comment: This variant is considered likely benign or benign based on one or more of the following criteria: it is a conservative change, it occurs at a poorly conserved position in the protein, it is predicted to be benign by multiple in silico algorithms, and/or has population frequency not consistent with disease.

NM_182916.3(TRNT1):c.-28+9G>A

Genes: TRNT1 (tRNA nucleotidyl transferase 1; plus strand), LOC129936047 (ATAC-STARR-seq lymphoblastoid silent region 14009; plus strand). Cytogenetic location: 3p26.2.
Variant type: single nucleotide variant.
Coding change: c.-28+9G>A on transcript NM_182916.3 (MANE Select); 9 bases into the intron after 28 bases upstream of the start codon, G replaced by A.
Molecular consequence: intron variant. On other transcripts: 5 prime UTR variant (2), non-coding transcript variant (4).
Genome position (GRCh38, 1-based): chr3:3,126,999, G>A. VCF-style: chr3-3126999-G-A. GRCh37 (hg19) VCF-style: chr3-3168683-G-A.
Other names: c.-318G>A (NM_001367322.1); c.-1047G>A (NM_001367323.1); c.-28+9G>A (NM_001367321.1, NM_001302946.2).
Identifiers: ClinVar variation 513098 (VCV000513098.1), dbSNP rs1553550677, ClinGen allele CA658796219.
Genomic context (GRCh38, chr3:3,126,999, plus strand): 5'-CAGCCCGGAAGTGCGCGTGGCGGCGGTGGCGGCTGCGGCAACAGCGGGGCCGGTAAGCGG[G>A]CGCGCGCCGCTCAGAGGGGCAGAGTTGGTGGCGTGAGTTGCTGCCCCTTCCTTCCTGCTG-3'